The following is an entry in ClinVar:

ClinVar aggregate classification (germline): Uncertain significance. Review status: criteria provided, multiple submitters, no conflicts (2 of 4 stars). 2 submissions from 2 submitters: Uncertain significance (2). Last evaluated 2024-11-02.

Conditions:
Cardiovascular phenotype. Identifiers: MedGen CN230736.

Allele frequency attached by ClinVar (database versions not stated): gnomAD exomes below 0.00001; ExAC 0.00002; gnomAD 0.00003; TOPMed 0.00003; ESP Exome Variant Server 0.00008.
gnomAD v4.1: 11 of 1,613,174 alleles (0.00068%); highest among the groups gnomAD compares: African/African-American, 0.012%; no homozygotes.

Submissions (2):

Ambry Genetics
Classification: Uncertain significance for Cardiovascular phenotype. Last evaluated: 2024-11-02. Review status: criteria provided, single submitter. Criteria: Ambry Variant Classification Scheme 2023. Collection method: clinical testing. Allele origin: germline.
Comment: The p.L242M variant (also known as c.724C>A), located in coding exon 3 of the APOA1 gene, results from a C to A substitution at nucleotide position 724. The leucine at codon 242 is replaced by methionine, an amino acid with highly similar properties. This amino acid position is conserved. In addition, the in silico prediction for this alteration is inconclusive. Since supporting evidence is limited at this time, the clinical significance of this alteration remains unclear.

Labcorp Genetics (formerly Invitae), Labcorp
Classification: Uncertain significance. Last evaluated: 2024-05-16. Review status: criteria provided, single submitter. Criteria: Invitae Variant Classification Sherloc (09022015). Collection method: clinical testing. Allele origin: germline.
Comment: This sequence change replaces leucine, which is neutral and non-polar, with methionine, which is neutral and non-polar, at codon 242 of the APOA1 protein (p.Leu242Met). This variant is present in population databases (rs368503162, gnomAD 0.02%). This variant has not been reported in the literature in individuals affected with APOA1-related conditions. ClinVar contains an entry for this variant (Variation ID: 1757901). Advanced modeling of protein sequence and biophysical properties (such as structural, functional, and spatial information, amino acid conservation, physicochemical variation, residue mobility, and thermodynamic stability) has been performed at Invitae for this missense variant, however the output from this modeling did not meet the statistical confidence thresholds required to predict the impact of this variant on APOA1 protein function. In summary, the available evidence is currently insufficient to determine the role of this variant in disease. Therefore, it has been classified as a Variant of Uncertain Significance.

NM_000039.3(APOA1):c.724C>A (p.Leu242Met)

Gene: APOA1 (apolipoprotein A1; minus strand). Cytogenetic location: 11q23.3.
Variant type: single nucleotide variant.
Coding change: c.724C>A on transcript NM_000039.3 (MANE Select); coding-DNA position 724, C replaced by A.
Protein change: p.Leu242Met; replaces leucine 242 with methionine.
Molecular consequence: missense variant.
Genome position (GRCh38, 1-based): chr11:116,835,888, G>T on the plus strand (C>A on the coding strand, the complement: APOA1 is on the minus strand). VCF-style: chr11-116835888-G-T. GRCh37 (hg19) VCF-style: chr11-116706604-G-T.
Other names: c.724C>A, p.Leu242Met (NM_001318017.2, NM_001318018.2); c.397C>A, p.Leu133Met (NM_001318021.2); short protein forms L242M, L133M.
Identifiers: ClinVar variation 1757901 (VCV001757901.7), dbSNP rs368503162, ClinGen allele CA6289751.